The following is an entry in ClinVar:

NM_198407.2(GHSR):c.353T>G (p.Leu118Arg)

Gene: GHSR (growth hormone secretagogue receptor; minus strand). Cytogenetic location: 3q26.31.
Variant type: single nucleotide variant.
Coding change: c.353T>G on transcript NM_198407.2 (MANE Select); coding-DNA position 353, T replaced by G.
Protein change: p.Leu118Arg; replaces leucine 118 with arginine.
Molecular consequence: missense variant.
Genome position (GRCh38, 1-based): chr3:172,448,061, A>C on the plus strand (T>G on the coding strand, the complement: GHSR is on the minus strand). VCF-style: chr3-172448061-A-C. GRCh37 (hg19) VCF-style: chr3-172165851-A-C.
Other names: c.353T>G, p.Leu118Arg (NM_004122.2); short protein forms L118R.
Identifiers: ClinVar variation 2964540 (VCV002964540.5), dbSNP rs1231302879, ClinGen allele CA355514930.
Genomic context (GRCh38, chr3:172,448,061, plus strand): 5'-CTCAGCGCTGTGATGGTGAGCACCGTGGCGTAGGTGCAGCTCTCACTGACGAATTGGAAG[A>C]GTTTGCAGAGGAGGTCGCCGAAGTTCCAGGGCCGGTACTGCCAGAGGCGAACGAGGTCCA-3'
Protein context (NP_940799.1, residues 108-128): PWNFGDLLCK[Leu118Arg]FQFVSESCTY

ClinVar aggregate classification (germline): Uncertain significance. Review status: criteria provided, multiple submitters, no conflicts (2 of 4 stars). 2 submissions from 2 submitters: Uncertain significance (2). Last evaluated 2025-09-10.

Allele frequency attached by ClinVar (database versions not stated): gnomAD exomes 0.00001; TOPMed 0.00001.
gnomAD v4.1: 3 of 1,614,148 alleles (0.00019%); highest among the groups gnomAD compares: African/African-American, 0.004%; no homozygotes.

Submissions (2):

GeneDx
Classification: Uncertain significance. Last evaluated: 2025-09-10. Review status: criteria provided, single submitter. Criteria: GeneDx Variant Classification Process June 2021. Collection method: clinical testing. Allele origin: germline. Affected: yes.
Comment: Not observed at significant frequency in large population cohorts (gnomAD); In silico analysis supports that this missense variant has a deleterious effect on protein structure/function; Has not been previously published as pathogenic or benign to our knowledge

Labcorp Genetics (formerly Invitae), Labcorp
Classification: Uncertain significance. Last evaluated: 2023-03-30. Review status: criteria provided, single submitter. Criteria: Invitae Variant Classification Sherloc (09022015). Collection method: clinical testing. Allele origin: germline.
Comment: In summary, the available evidence is currently insufficient to determine the role of this variant in disease. Therefore, it has been classified as a Variant of Uncertain Significance. Advanced modeling of protein sequence and biophysical properties (such as structural, functional, and spatial information, amino acid conservation, physicochemical variation, residue mobility, and thermodynamic stability) performed at Invitae indicates that this missense variant is expected to disrupt GHSR protein function. This variant has not been reported in the literature in individuals affected with GHSR-related conditions. This variant is present in population databases (no rsID available, gnomAD 0.007%). This sequence change replaces leucine, which is neutral and non-polar, with arginine, which is basic and polar, at codon 118 of the GHSR protein (p.Leu118Arg).